The following is an entry in ClinVar:

ClinVar aggregate classification (germline): Uncertain significance (1 of 4 stars; one submission).

Conditions:
Werner syndrome (WRN). Identifiers: Orphanet 902, MedGen C0043119, MONDO:0010196, OMIM 277700.

Allele frequency attached by ClinVar (database versions not stated): gnomAD 0.00001.
gnomAD v4.1: 1 of 1,614,004 alleles (0.000062%); highest among the groups gnomAD compares: African/African-American, 0.0013%; no homozygotes.

Submission:

Labcorp Genetics (formerly Invitae), Labcorp
Classification: Uncertain significance for Werner syndrome. Last evaluated: 2023-09-05. Review status: criteria provided, single submitter. Criteria: Invitae Variant Classification Sherloc (09022015). Collection method: clinical testing. Allele origin: germline.
Comment: This sequence change replaces cysteine, which is neutral and slightly polar, with phenylalanine, which is neutral and non-polar, at codon 1223 of the WRN protein (p.Cys1223Phe). This variant is not present in population databases (gnomAD no frequency). This variant has not been reported in the literature in individuals affected with WRN-related conditions. ClinVar contains an entry for this variant (Variation ID: 1053412). An algorithm developed to predict the effect of missense changes on protein structure and function (PolyPhen-2) suggests that this variant is likely to be disruptive. In summary, the available evidence is currently insufficient to determine the role of this variant in disease. Therefore, it has been classified as a Variant of Uncertain Significance.

NM_000553.6(WRN):c.3668G>T (p.Cys1223Phe)

Gene: WRN (WRN RecQ like helicase; plus strand). Cytogenetic location: 8p12.
Variant type: single nucleotide variant.
Coding change: c.3668G>T on transcript NM_000553.6 (MANE Select); coding-DNA position 3668, G replaced by T.
Protein change: p.Cys1223Phe; replaces cysteine 1223 with phenylalanine.
Molecular consequence: missense variant.
Genome position (GRCh38, 1-based): chr8:31,150,436, G>T. VCF-style: chr8-31150436-G-T. GRCh37 (hg19) VCF-style: chr8-31007952-G-T.
Other names: short protein forms C1223F.
Identifiers: ClinVar variation 1053412 (VCV001053412.5), dbSNP rs773929985, ClinGen allele CA174908157.